The following is an entry in ClinVar:

NM_021942.6(TRAPPC11):c.433C>G (p.Pro145Ala)

Gene: TRAPPC11 (trafficking protein particle complex subunit 11; plus strand). Cytogenetic location: 4q35.1.
Variant type: single nucleotide variant.
Coding change: c.433C>G on transcript NM_021942.6 (MANE Select); coding-DNA position 433, C replaced by G.
Protein change: p.Pro145Ala; replaces proline 145 with alanine.
Molecular consequence: missense variant.
Genome position (GRCh38, 1-based): chr4:183,667,118, C>G. VCF-style: chr4-183667118-C-G. GRCh37 (hg19) VCF-style: chr4-184588271-C-G.
Other names: c.433C>G, p.Pro145Ala (NM_199053.3); short protein forms P145A.
Identifiers: ClinVar variation 656178 (VCV000656178.9), dbSNP rs747596215, ClinGen allele CA3151573.

ClinVar aggregate classification (germline): Uncertain significance (1 of 4 stars; one submission).

Conditions:
Autosomal recessive limb-girdle muscular dystrophy type R18 (LGMDR18). Also called: Limb-girdle muscular dystrophy, type 2S; MUSCULAR DYSTROPHY, LIMB-GIRDLE, AUTOSOMAL RECESSIVE 18; Autosomal recessive limb-girdle muscular dystrophy type 2S. Identifiers: Orphanet 369840, MedGen C4517996, MONDO:0014144, OMIM 615356.

Allele frequency attached by ClinVar (database versions not stated): ExAC 0.00001; gnomAD exomes 0.00001; TOPMed 0.00001.
gnomAD v4.1: 19 of 1,602,316 alleles (0.0012%); highest among the groups gnomAD compares: Non-Finnish European, 0.0015%; no homozygotes.

Submission:

Labcorp Genetics (formerly Invitae), Labcorp
Classification: Uncertain significance for Autosomal recessive limb-girdle muscular dystrophy type R18. Last evaluated: 2022-08-16. Review status: criteria provided, single submitter. Criteria: Invitae Variant Classification Sherloc (09022015). Collection method: clinical testing. Allele origin: germline.
Comment: This sequence change replaces proline, which is neutral and non-polar, with alanine, which is neutral and non-polar, at codon 145 of the TRAPPC11 protein (p.Pro145Ala). This variant is present in population databases (rs747596215, gnomAD 0.003%). This variant has not been reported in the literature in individuals affected with TRAPPC11-related conditions. ClinVar contains an entry for this variant (Variation ID: 656178). Algorithms developed to predict the effect of missense changes on protein structure and function are either unavailable or do not agree on the potential impact of this missense change (SIFT: "Deleterious"; PolyPhen-2: "Benign"; Align-GVGD: "Class C0"). In summary, the available evidence is currently insufficient to determine the role of this variant in disease. Therefore, it has been classified as a Variant of Uncertain Significance.